The following is an entry in ClinVar:

ClinVar aggregate classification (germline): Benign/Likely benign. Review status: criteria provided, multiple submitters, no conflicts (2 of 4 stars). 12 submissions from 11 submitters: Benign (1); Likely benign (8). 3 of the submissions do not count toward it. Last evaluated 2025-12-28.

Conditions:
BRIP1-related disorder. Also called: BRIP1-related condition; BRIP1-related disorders. Identifiers: MedGen CN239206.
Hereditary cancer-predisposing syndrome. Also called: Hereditary Cancer Syndrome; Neoplastic Syndromes, Hereditary; Tumor predisposition; Hereditary neoplastic syndrome. Identifiers: Orphanet 140162, MedGen C0027672, MeSH D009386, MONDO:0015356.
Ovarian cancer. Also called: OVARIAN CANCER, SOMATIC. Identifiers: Orphanet 213500, MedGen C1140680, MONDO:0008170, OMIM 167000.
Fanconi anemia complementation group J. Also called: BRIP1-Related Fanconi Anemia. Identifiers: Orphanet 84, MedGen C1836860, MONDO:0012187, OMIM 609054.
Familial cancer of breast. Also called: Hereditary breast cancer; hereditary breast carcinoma; BREAST CANCER, FAMILIAL. Identifiers: Orphanet 227535, MedGen C0346153, MONDO:0016419, OMIM 114480. Disease mechanism: loss of function.

Allele frequency attached by ClinVar (database versions not stated): gnomAD exomes 0.00001 and 0.00003; ExAC 0.00002; ESP Exome Variant Server 0.00008; TOPMed 0.00008; gnomAD 0.00013 and 0.00014.
gnomAD v4.1: 27 of 1,613,682 alleles (0.0017%); highest among the groups gnomAD compares: African/African-American, 0.025%; no homozygotes.

Submissions (12):

Labcorp Genetics (formerly Invitae), Labcorp
Classification: Likely benign for Familial cancer of breast; Fanconi anemia complementation group J. Last evaluated: 2025-12-28. Review status: criteria provided, single submitter. Criteria: Invitae Variant Classification Sherloc (09022015). Collection method: clinical testing. Allele origin: germline.

Ambry Genetics
Classification: Likely benign for Hereditary cancer-predisposing syndrome. Last evaluated: 2025-09-26. Review status: criteria provided, single submitter. Criteria: Ambry Variant Classification Scheme 2023. Collection method: clinical testing. Allele origin: germline.

Quest Diagnostics Nichols Institute San Juan Capistrano
Classification: Likely benign. Last evaluated: 2025-08-18. Review status: criteria provided, single submitter. Criteria: Quest Diagnostics criteria. Collection method: clinical testing. Allele origin: unknown.

Myriad Genetics, Inc.
Classification: Benign for Familial cancer of breast. Last evaluated: 2023-02-27. Review status: criteria provided, single submitter. Criteria: Myriad Autosomal Dominant, Autosomal Recessive and X-Linked Classification Criteria (2023). Collection method: clinical testing. Allele origin: unknown.
Comment: This variant is considered benign. This variant is a silent/synonymous amino acid change and it is not expected to impact splicing.

Sema4
Classification: Likely benign for Hereditary cancer-predisposing syndrome. Last evaluated: 2021-12-16. Review status: criteria provided, single submitter. Criteria: Sema4 Curation Guidelines. Collection method: curation. Allele origin: germline.

Women's Health and Genetics/Laboratory Corporation of America, LabCorp
Classification: Likely benign. Last evaluated: 2021-01-15. Review status: criteria provided, single submitter. Criteria: LabCorp Variant Classification Summary - May 2015. Collection method: clinical testing. Allele origin: germline.

GeneDx
Classification: Likely benign. Last evaluated: 2019-05-28. Review status: criteria provided, single submitter. Criteria: GeneDx Variant Classification Process June 2021. Collection method: clinical testing. Allele origin: germline. Affected: yes.

Institute for Biomarker Research, Medical Diagnostic Laboratories, L.L.C.
Classification: Likely benign for Hereditary cancer-predisposing syndrome. Last evaluated: 2018-01-16. Review status: criteria provided, single submitter. Criteria: ACMG Guidelines, 2015. Collection method: clinical testing. Allele origin: germline.

Color Diagnostics, LLC DBA Color Health
Classification: Likely benign for Hereditary cancer-predisposing syndrome. Last evaluated: 2016-04-27. Review status: criteria provided, single submitter. Criteria: ACMG Guidelines, 2015. Collection method: clinical testing. Allele origin: germline.

PreventionGenetics, part of Exact Sciences
Classification: Likely benign for BRIP1-related condition. Last evaluated: 2019-11-27. Review status: no assertion criteria provided. Collection method: clinical testing. Allele origin: germline. Not counted in ClinVar's aggregate classification.
Comment: This variant is classified as likely benign based on ACMG/AMP sequence variant interpretation guidelines (Richards et al. 2015 PMID: 25741868, with internal and published modifications).

Counsyl
Classification: Likely benign for Fanconi anemia complementation group J. Last evaluated: 2016-10-31. Review status: no assertion criteria provided. Collection method: clinical testing. Allele origin: unknown. Not counted in ClinVar's aggregate classification.

Counsyl
Classification: Likely benign for Ovarian cancer. Last evaluated: 2016-10-31. Review status: no assertion criteria provided. Collection method: clinical testing. Allele origin: unknown. Not counted in ClinVar's aggregate classification.

NM_032043.3(BRIP1):c.595C>T (p.Leu199=)

Gene: BRIP1 (BRCA1 interacting DNA helicase 1; minus strand). Cytogenetic location: 17q23.2.
Variant type: single nucleotide variant.
Coding change: c.595C>T on transcript NM_032043.3 (MANE Select); coding-DNA position 595, C replaced by T.
Protein change: p.Leu199=; no amino-acid change (leucine 199 retained).
Molecular consequence: synonymous variant.
Genome position (GRCh38, 1-based): chr17:61,847,133, G>A on the plus strand (C>T on the coding strand, the complement: BRIP1 is on the minus strand). VCF-style: chr17-61847133-G-A. GRCh37 (hg19) VCF-style: chr17-59924494-G-A.
Identifiers: ClinVar variation 230642 (VCV000230642.30), dbSNP rs144969738, ClinGen allele CA8690903.